The following is an entry in ClinVar:

ClinVar aggregate classification (germline): Uncertain significance. Review status: criteria provided, multiple submitters, no conflicts (2 of 4 stars). 3 submissions from 3 submitters: Uncertain significance (3). Last evaluated 2026-02-01.

Conditions:
Neuropathy, hereditary sensory and autonomic, type 2A (HSAN2A). Also called: MORVAN DISEASE; NEUROPATHY, CONGENITAL SENSORY; NEUROPATHY, HEREDITARY SENSORY RADICULAR, AUTOSOMAL RECESSIVE; NEUROPATHY, HEREDITARY SENSORY, TYPE IIA; NEUROPATHY, PROGRESSIVE SENSORY, OF CHILDREN; ACROOSTEOLYSIS, GIACCAI TYPE. Identifiers: Orphanet 970, MedGen C2752089, MONDO:0024309, OMIM 201300.
Pseudohypoaldosteronism type 2C (PHA2C). Also called: Pseudohypoaldosteronism Type IIC. Identifiers: Orphanet 757, Orphanet 88940, MedGen C1840391, MONDO:0013778, OMIM 614492.

Allele frequency attached by ClinVar (database versions not stated): gnomAD 0.00001; gnomAD exomes 0.00001; TOPMed 0.00002.
gnomAD v4.1: 23 of 1,614,062 alleles (0.0014%); highest among the groups gnomAD compares: Middle Eastern, 0.016%; no homozygotes.

Submissions (3):

CeGaT Center for Human Genetics Tuebingen
Classification: Uncertain significance. Last evaluated: 2026-02-01. Review status: criteria provided, single submitter. Criteria: CeGaT Center For Human Genetics Tuebingen Variant Classification Criteria Version 2. Collection method: clinical testing. Allele origin: germline. Affected: yes. Observed: 1 variant allele.
Comment: WNK1: PM2, BP4

Fulgent Genetics
Classification: Uncertain significance for Neuropathy, hereditary sensory and autonomic, type 2A; Pseudohypoaldosteronism type 2C. Last evaluated: 2024-04-16. Review status: criteria provided, single submitter. Criteria: ACMG Guidelines, 2015. Collection method: clinical testing. Allele origin: germline.

Labcorp Genetics (formerly Invitae), Labcorp
Classification: Uncertain significance for Neuropathy, hereditary sensory and autonomic, type 2A; Pseudohypoaldosteronism type 2C. Last evaluated: 2023-06-11. Review status: criteria provided, single submitter. Criteria: Invitae Variant Classification Sherloc (09022015). Collection method: clinical testing. Allele origin: germline.
Comment: This sequence change replaces isoleucine, which is neutral and non-polar, with valine, which is neutral and non-polar, at codon 1670 of the WNK1 protein (p.Ile1670Val). This variant is present in population databases (rs755994921, gnomAD 0.004%). This variant has not been reported in the literature in individuals affected with WNK1-related conditions. Advanced modeling of protein sequence and biophysical properties (such as structural, functional, and spatial information, amino acid conservation, physicochemical variation, residue mobility, and thermodynamic stability) performed at Invitae indicates that this missense variant is not expected to disrupt WNK1 protein function. In summary, the available evidence is currently insufficient to determine the role of this variant in disease. Therefore, it has been classified as a Variant of Uncertain Significance.

NM_018979.4(WNK1):c.4252A>G (p.Ile1418Val)

Gene: WNK1 (WNK lysine deficient protein kinase 1; plus strand). Cytogenetic location: 12p13.33.
Variant type: single nucleotide variant.
Coding change: c.4252A>G on transcript NM_018979.4 (MANE Select); coding-DNA position 4252, A replaced by G.
Protein change: p.Ile1418Val; replaces isoleucine 1418 with valine.
Molecular consequence: missense variant.
Genome position (GRCh38, 1-based): chr12:885,056, A>G. VCF-style: chr12-885056-A-G. GRCh37 (hg19) VCF-style: chr12-994222-A-G.
Other names: c.5032A>G, p.Ile1678Val (NM_001184985.2); c.3511A>G, p.Ile1171Val (NM_014823.3); c.5008A>G, p.Ile1670Val (NM_213655.5); short protein forms I1171V, I1418V, I1678V, I1670V.
Identifiers: ClinVar variation 2948601 (VCV002948601.8), dbSNP rs755994921, ClinGen allele CA231479133.